The following is an entry in ClinVar:

NM_017671.5(FERMT1):c.1756del (p.Ser586fs)

Gene: FERMT1 (FERM domain containing kindlin 1; minus strand). Cytogenetic location: 20p12.3.
Variant type: Deletion.
Coding change: c.1756del on transcript NM_017671.5 (MANE Select); coding-DNA position 1756, one base deleted (T; older notation c.1756delT).
Protein change: p.Ser586fs; shifts the reading frame from serine 586.
Molecular consequence: frameshift variant.
Genome position (GRCh38, 1-based): chr20:6,079,540, A deleted on the plus strand (T on the coding strand, the reverse complement: FERMT1 is on the minus strand); the first of 3 consecutive A bases (chr20:6,079,540-6,079,542); deleting any one gives the same sequence. VCF-style (leftmost placement, unchanged base first): chr20-6079539-GA-G. GRCh37 (hg19) VCF-style: chr20-6060186-GA-G.
Other names: short protein forms S586fs.
Identifiers: ClinVar variation 2736948 (VCV002736948.3), dbSNP rs1318979798, ClinGen allele CA645600621.

ClinVar aggregate classification (germline): Pathogenic (1 of 4 stars; one submission).

Submission:

Labcorp Genetics (formerly Invitae), Labcorp
Classification: Pathogenic. Last evaluated: 2023-12-30. Review status: criteria provided, single submitter. Criteria: Invitae Variant Classification Sherloc (09022015). Collection method: clinical testing. Allele origin: germline.
Comment: This sequence change creates a premature translational stop signal (p.Ser586Hisfs*5) in the FERMT1 gene. It is expected to result in an absent or disrupted protein product. Loss-of-function variants in FERMT1 are known to be pathogenic (PMID: 14962093, 21936020). This variant is not present in population databases (gnomAD no frequency). This premature translational stop signal has been observed in individual(s) with Kindler syndrome (PMID: 16702500). This variant is also known as 1755delT. For these reasons, this variant has been classified as Pathogenic.

Literature cited by the submitters: PubMed 14962093; PubMed 21936020; PubMed 16702500.